The following is an entry in ClinVar:

ClinVar aggregate classification (germline): Uncertain significance (1 of 4 stars; one submission).

Submission:

Labcorp Genetics (formerly Invitae), Labcorp
Classification: Uncertain significance. Last evaluated: 2024-03-28. Review status: criteria provided, single submitter. Criteria: Invitae Variant Classification Sherloc (09022015). Collection method: clinical testing. Allele origin: germline.
Comment: This sequence change replaces tyrosine, which is neutral and polar, with asparagine, which is neutral and polar, at codon 291 of the FBXW7 protein (p.Tyr291Asn). This variant is present in population databases (rs369187069, gnomAD 0.002%). This variant has not been reported in the literature in individuals affected with FBXW7-related conditions. An algorithm developed to predict the effect of missense changes on protein structure and function (PolyPhen-2) suggests that this variant is likely to be tolerated. In summary, the available evidence is currently insufficient to determine the role of this variant in disease. Therefore, it has been classified as a Variant of Uncertain Significance.

NM_001349798.2(FBXW7):c.871T>A (p.Tyr291Asn)

Gene: FBXW7 (F-box and WD repeat domain containing 7; minus strand). Cytogenetic location: 4q31.3.
Variant type: single nucleotide variant.
Coding change: c.871T>A on transcript NM_001349798.2 (MANE Select); coding-DNA position 871, T replaced by A.
Protein change: p.Tyr291Asn; replaces tyrosine 291 with asparagine.
Molecular consequence: missense variant.
Genome position (GRCh38, 1-based): chr4:152,332,710, A>T on the plus strand (T>A on the coding strand, the complement: FBXW7 is on the minus strand). VCF-style: chr4-152332710-A-T. GRCh37 (hg19) VCF-style: chr4-153253862-A-T.
Other names: c.517T>A, p.Tyr173Asn (NM_001013415.2); c.631T>A, p.Tyr211Asn (NM_018315.5); c.871T>A, p.Tyr291Asn (NM_033632.3); short protein forms Y173N, Y211N, Y291N.
Identifiers: ClinVar variation 3632589 (VCV003632589.2).